The following is an entry in ClinVar:

NM_002693.3(POLG):c.2481-44A>T

Gene: POLG (DNA polymerase gamma, catalytic subunit; minus strand). Cytogenetic location: 15q26.1.
Variant type: single nucleotide variant.
Coding change: c.2481-44A>T on transcript NM_002693.3 (MANE Select); 44 bases into the intron before coding-DNA position 2481, A replaced by T.
Molecular consequence: intron variant.
Genome position (GRCh38, 1-based): chr15:89,321,897, T>A on the plus strand (A>T on the coding strand, the complement: POLG is on the minus strand). VCF-style: chr15-89321897-T-A. GRCh37 (hg19) VCF-style: chr15-89865128-T-A.
Other names: c.2481-44A>T (NM_001126131.2).
Identifiers: ClinVar variation 619367 (VCV000619367.1), dbSNP rs370712401, ClinGen allele CA7724456.

ClinVar aggregate classification (germline): Likely benign (1 of 4 stars; one submission).

Conditions:
Progressive sclerosing poliodystrophy (MTDPS4A). Also called: Alpers-Huttenlocher Syndrome (AHS); Alpers Syndrome; ALPERS PROGRESSIVE INFANTILE POLIODYSTROPHY; Mitochondrial DNA depletion syndrome 4A (Alpers type); ALPERS DIFFUSE DEGENERATION OF CEREBRAL GRAY MATTER WITH HEPATIC CIRRHOSIS; Alpers-Huttenlocher Syndrome. Identifiers: Orphanet 726, MedGen C0205710, MONDO:0008758, OMIM 203700.

Allele frequency attached by ClinVar (database versions not stated): ExAC 0.00004; gnomAD exomes 0.00004; gnomAD 0.00007 and 0.00008; TOPMed 0.00013; ESP Exome Variant Server 0.00015.

Submission:

Wong Mito Lab, Molecular and Human Genetics, Baylor College of Medicine
Classification: Likely benign for Progressive sclerosing poliodystrophy. Last evaluated: 2018-10-01. Review status: criteria provided, single submitter. Criteria: ACMG Guidelines, 2015. Collection method: clinical testing. Allele origin: germline.
Comment: The NM_002693.2:c.2481-44A>T (NP_002684.1:p.=) [GRCH38: NC_000015.10:g.89321897T>A] variant in POLG gene is interpretated to be a Likely Benign based on ACMG guidelines (PMID: 25741868). This variant meets the following evidence codes reported in the ACMG-guideline. BP4:Computational evidence/predictors indicate no impact on the POLG structure, function, or protein-protein interaction. BP6:Reputable source(s) without shared data suggest the variant is benign. Based on the evidence criteria codes applied, the variant is suggested to be Likely Benign.